The following is an entry in ClinVar:

NM_004656.4(BAP1):c.2150G>A (p.Arg717Gln)

Gene: BAP1 (BRCA1 associated deubiquitinase 1; minus strand). Cytogenetic location: 3p21.1.
Variant type: single nucleotide variant.
Coding change: c.2150G>A on transcript NM_004656.4 (MANE Select); coding-DNA position 2150, G replaced by A.
Protein change: p.Arg717Gln; replaces arginine 717 with glutamine.
Molecular consequence: missense variant.
Genome position (GRCh38, 1-based): chr3:52,402,328, C>T on the plus strand (G>A on the coding strand, the complement: BAP1 is on the minus strand). VCF-style: chr3-52402328-C-T. GRCh37 (hg19) VCF-style: chr3-52436344-C-T.
Other names: short protein forms R717Q.
Identifiers: ClinVar variation 1320717 (VCV001320717.7), dbSNP rs765539314, ClinGen allele CA2436584.

ClinVar aggregate classification (germline): Conflicting classifications of pathogenicity. Review status: criteria provided, conflicting classifications (1 of 4 stars). 4 submissions from 4 submitters: Uncertain significance (3); Likely benign (1). Last evaluated 2025-04-18.

Conditions:
Hereditary cancer-predisposing syndrome. Also called: Hereditary neoplastic syndrome; Neoplastic Syndromes, Hereditary; Tumor predisposition; Hereditary Cancer Syndrome. Identifiers: Orphanet 140162, MedGen C0027672, MeSH D009386, MONDO:0015356.
BAP1-related tumor predisposition syndrome (TPDS1). Also called: COMMON Syndrome; Tumor susceptibility linked to germline BAP1 mutations; BAP1 tumor predisposition syndrome; TUMOR PREDISPOSITION SYNDROME 1. Identifiers: Orphanet 289539, MedGen C3280492, MONDO:0013692, OMIM 614327.

Allele frequency attached by ClinVar (database versions not stated): gnomAD exomes 0.00001; TOPMed 0.00001; ExAC 0.00004.
gnomAD v4.1: 8 of 1,593,730 alleles (0.0005%); highest among the groups gnomAD compares: Non-Finnish European, 0.00068%; no homozygotes.

Submissions (4):

Labcorp Genetics (formerly Invitae), Labcorp
Classification: Uncertain significance for BAP1-related tumor predisposition syndrome. Last evaluated: 2025-04-18. Review status: criteria provided, single submitter. Criteria: Invitae Variant Classification Sherloc (09022015). Collection method: clinical testing. Allele origin: germline.
Comment: This sequence change replaces arginine, which is basic and polar, with glutamine, which is neutral and polar, at codon 717 of the BAP1 protein (p.Arg717Gln). The frequency data for this variant in the population databases is considered unreliable, as metrics indicate poor data quality at this position in the gnomAD database. This variant has not been reported in the literature in individuals affected with BAP1-related conditions. ClinVar contains an entry for this variant (Variation ID: 1320717). Invitae Evidence Modeling of protein sequence and biophysical properties (such as structural, functional, and spatial information, amino acid conservation, physicochemical variation, residue mobility, and thermodynamic stability) indicates that this missense variant is not expected to disrupt BAP1 protein function with a negative predictive value of 80%. In summary, the available evidence is currently insufficient to determine the role of this variant in disease. Therefore, it has been classified as a Variant of Uncertain Significance.

Myriad Genetics, Inc.
Classification: Likely benign for BAP1-related tumor predisposition syndrome. Last evaluated: 2024-07-18. Review status: criteria provided, single submitter. Criteria: Myriad Autosomal Dominant, Autosomal Recessive and X-Linked Classification Criteria (2023). Collection method: clinical testing. Allele origin: unknown.
Comment: This variant is considered likely benign. This variant has been observed at a population frequency that is significantly greater than expected given the associated disease prevalence and penetrance.

Ambry Genetics
Classification: Uncertain significance for Hereditary cancer-predisposing syndrome. Last evaluated: 2024-06-26. Review status: criteria provided, single submitter. Criteria: Ambry Variant Classification Scheme 2023. Collection method: clinical testing. Allele origin: germline.
Comment: The p.R717Q variant (also known as c.2150G>A), located in coding exon 17 of the BAP1 gene, results from a G to A substitution at nucleotide position 2150. The arginine at codon 717 is replaced by glutamine, an amino acid with highly similar properties. This amino acid position is highly conserved in available vertebrate species. In addition, this alteration is predicted to be tolerated by in silico analysis. Based on the available evidence, the clinical significance of this variant remains unclear.

GeneDx
Classification: Uncertain significance. Last evaluated: 2019-06-14. Review status: criteria provided, single submitter. Criteria: GeneDx Variant Classification Process June 2021. Collection method: clinical testing. Allele origin: germline. Affected: yes.
Comment: Not observed at a significant frequency in large population cohorts (Lek et al., 2016); In silico analysis, which includes protein predictors and evolutionary conservation, supports that this variant does not alter protein structure/function; Has not been previously published as pathogenic or benign to our knowledge; This variant is associated with the following publications: (PMID: 29684080)